The following is an entry in ClinVar:

NM_001386298.1(CIC):c.3745C>T (p.Arg1249Trp)

Gene: CIC (capicua transcriptional repressor; plus strand). Cytogenetic location: 19q13.2.
Variant type: single nucleotide variant.
Coding change: c.3745C>T on transcript NM_001386298.1 (MANE Select); coding-DNA position 3745, C replaced by T.
Protein change: p.Arg1249Trp; replaces arginine 1249 with tryptophan.
Molecular consequence: missense variant.
Genome position (GRCh38, 1-based): chr19:42,288,974, C>T. VCF-style: chr19-42288974-C-T. GRCh37 (hg19) VCF-style: chr19-42793126-C-T.
Other names: c.3745C>T, p.Arg1249Trp (NM_001304815.2, NM_001379480.1, NM_001379482.1); c.1018C>T, p.Arg340Trp (NM_001379484.1, NM_001379485.1, NM_015125.5); short protein forms R1249W, R340W.
Identifiers: ClinVar variation 3769115 (VCV003769115.2).

ClinVar aggregate classification (germline): Uncertain significance (1 of 4 stars; one submission).

gnomAD v4.1: 24 of 1,613,906 alleles (0.0015%); highest among the groups gnomAD compares: Non-Finnish European, 0.0018%; no homozygotes.

Submission:

Women's Health and Genetics/Laboratory Corporation of America, LabCorp
Classification: Uncertain significance. Last evaluated: 2025-01-30. Review status: criteria provided, single submitter. Criteria: LabCorp Variant Classification Summary - May 2015. Collection method: clinical testing. Allele origin: germline.
Comment: Variant summary: CIC c.1018C>T (p.Arg340Trp) results in a non-conservative amino acid change in the encoded protein sequence. Four of five in-silico tools predict a damaging effect of the variant on protein function. The variant allele was found at a frequency of 1.2e-05 in 251038 control chromosomes (gnomAD). The available data on variant occurrences in the general population are insufficient to allow any conclusion about variant significance. To our knowledge, no occurrence of c.1018C>T in individuals affected with Mental Retardation, Autosomal Dominant 45 and no experimental evidence demonstrating its impact on protein function have been reported. No submitters have cited clinical-significance assessments for this variant to ClinVar. Based on the evidence outlined above, the variant was classified as uncertain significance.